The following is an entry in ClinVar:

ClinVar aggregate classification (germline): Uncertain significance (1 of 4 stars; one submission).

Allele frequency attached by ClinVar (database versions not stated): gnomAD exomes below 0.00001.
gnomAD v4.1: 1 of 1,211,452 alleles (0.000083%); highest among the groups gnomAD compares: Admixed American, 0.0022%; no homozygotes.

Submission:

Labcorp Genetics (formerly Invitae), Labcorp
Classification: Uncertain significance. Last evaluated: 2022-12-12. Review status: criteria provided, single submitter. Criteria: Invitae Variant Classification Sherloc (09022015). Collection method: clinical testing. Allele origin: germline.
Comment: This sequence change replaces asparagine, which is neutral and polar, with histidine, which is basic and polar, at codon 253 of the NEXMIF protein (p.Asn253His). This variant is present in population databases (no rsID available, gnomAD 0.004%), including at least one homozygous and/or hemizygous individual. This variant has not been reported in the literature in individuals affected with NEXMIF-related conditions. Algorithms developed to predict the effect of missense changes on protein structure and function (SIFT, PolyPhen-2, Align-GVGD) all suggest that this variant is likely to be disruptive. In summary, the available evidence is currently insufficient to determine the role of this variant in disease. Therefore, it has been classified as a Variant of Uncertain Significance.

NM_001008537.3(NEXMIF):c.757A>C (p.Asn253His)

Gene: NEXMIF (neurite extension and migration factor; minus strand). Cytogenetic location: Xq13.3.
Variant type: single nucleotide variant.
Coding change: c.757A>C on transcript NM_001008537.3 (MANE Select); coding-DNA position 757, A replaced by C.
Protein change: p.Asn253His; replaces asparagine 253 with histidine.
Molecular consequence: missense variant.
Genome position (GRCh38, 1-based): chrX:74,743,800, T>G on the plus strand (A>C on the coding strand, the complement: NEXMIF is on the minus strand). VCF-style: chrX-74743800-T-G. GRCh37 (hg19) VCF-style: chrX-73963635-T-G.
Other names: short protein forms N253H.
Identifiers: ClinVar variation 1946167 (VCV001946167.5), dbSNP rs1255784330, ClinGen allele CA413672597.